The following is an entry in ClinVar:

NM_194454.3(KRIT1):c.2104A>G (p.Met702Val)

Gene: KRIT1 (KRIT1 ankyrin repeat containing; minus strand). Cytogenetic location: 7q21.2.
Variant type: single nucleotide variant.
Coding change: c.2104A>G on transcript NM_194454.3 (MANE Select); coding-DNA position 2104, A replaced by G.
Protein change: p.Met702Val; replaces methionine 702 with valine.
Molecular consequence: missense variant.
Genome position (GRCh38, 1-based): chr7:92,201,345, T>C on the plus strand (A>G on the coding strand, the complement: KRIT1 is on the minus strand). VCF-style: chr7-92201345-T-C. GRCh37 (hg19) VCF-style: chr7-91830659-T-C.
Other names: p.Met702Val; c.1960A>G, p.Met654Val (NM_001013406.2, NM_001350669.1, NM_001350670.1); c.1390A>G, p.Met464Val (NM_001350671.1); c.2104A>G, p.Met702Val (NM_001350672.1, NM_001350673.1, NM_001350674.1 and 26 more transcripts); short protein forms M654V, M464V, M702V.
Identifiers: ClinVar variation 3289309 (VCV003289309.3).
Genomic context (GRCh38, chr7:92,201,345, plus strand): 5'-GTCCAAAATAAATGATACTTACCTGTTTTGTATGTACTATAAAGCTCATTTTATTTTCCA[T>C]GCTATGGATCTGAAAACAAGTATCAGTATCTCCCAATTGCCACATAAAACAACCATACTT-3'
Protein context (NP_919436.1, residues 692-712): DTDTCFQIHS[Met702Val]ENKMSFIVHT

ClinVar aggregate classification (germline): Conflicting classifications of pathogenicity. Review status: criteria provided, conflicting classifications (1 of 4 stars). 3 submissions from 3 submitters: Uncertain significance (2); Likely benign (1). Last evaluated 2025-07-22.

Conditions:
Inborn genetic diseases. Identifiers: MedGen C0950123, MeSH D030342.

Submissions (3):

Women's Health and Genetics/Laboratory Corporation of America, LabCorp
Classification: Uncertain significance. Last evaluated: 2025-07-22. Review status: criteria provided, single submitter. Criteria: LabCorp Variant Classification Summary - May 2015. Collection method: clinical testing. Allele origin: germline.
Comment: Variant summary: KRIT1 c.2104A>G (p.Met702Val) results in a conservative amino acid change in the encoded protein sequence. Algorithms developed to predict the effect of missense changes on protein structure and function all suggest that this variant is likely to be tolerated. The variant allele was found at a frequency of 3.6e-05 in 251034 control chromosomes. The available data on variant occurrences in the general population are insufficient to allow any conclusion about variant significance. To our knowledge, no occurrence of c.2104A>G in individuals affected with KRIT1-Related Disorders and no experimental evidence demonstrating its impact on protein function have been reported. ClinVar contains an entry for this variant (Variation ID: 3289309). Based on the evidence outlined above, the variant was classified as uncertain significance.

Mayo Clinic Laboratories, Mayo Clinic
Classification: Likely benign. Last evaluated: 2025-04-28. Review status: criteria provided, single submitter. Criteria: ACMG Guidelines, 2015. Collection method: clinical testing. Allele origin: germline. Observed: 1 variant allele.
Comment: BS1, BP4_moderate

Ambry Genetics
Classification: Uncertain significance for Inborn genetic diseases. Last evaluated: 2024-04-17. Review status: criteria provided, single submitter. Criteria: Ambry Variant Classification Scheme 2023. Collection method: clinical testing. Allele origin: germline.